The following is an entry in ClinVar:

NM_000059.4(BRCA2):c.8332-2A>C

Gene: BRCA2 (BRCA2 DNA repair associated; plus strand). Cytogenetic location: 13q13.1.
Variant type: single nucleotide variant.
Coding change: c.8332-2A>C on transcript NM_000059.4 (MANE Select); the canonical splice acceptor site of the intron before coding-DNA position 8332, A replaced by C.
Molecular consequence: splice acceptor variant.
Genome position (GRCh38, 1-based): chr13:32,370,400, A>C. VCF-style: chr13-32370400-A-C. GRCh37 (hg19) VCF-style: chr13-32944537-A-C.
Other names: c.8332-2A>C (NM_001406720.1); c.8236-2A>C (NM_001406719.1); c.3400-2A>C (NM_001406721.1); c.1915-2A>C (NM_001406722.1).
Identifiers: ClinVar variation 531215 (VCV000531215.8), dbSNP rs587782774, ClinGen allele CA387752308.

ClinVar aggregate classification (germline): Likely pathogenic. Review status: criteria provided, multiple submitters, no conflicts (2 of 4 stars). 2 submissions from 2 submitters: Likely pathogenic (2). Last evaluated 2024-12-19.

Conditions:
Hereditary cancer-predisposing syndrome. Also called: Hereditary neoplastic syndrome; Neoplastic Syndromes, Hereditary; Tumor predisposition; Hereditary Cancer Syndrome. Identifiers: Orphanet 140162, MedGen C0027672, MeSH D009386, MONDO:0015356.
Hereditary breast ovarian cancer syndrome. Also called: Hereditary breast and ovarian cancer syndrome (HBOC); BRCA1- and BRCA2-Associated Hereditary Breast and Ovarian Cancer; Hereditary breast and ovarian cancer syndrome; Breast and ovarian cancer; Hereditary breast and ovarian cancer; Hereditary breast and/or ovarian cancer syndrome. Identifiers: Orphanet 145, MedGen C0677776, MeSH D061325, MONDO:0003582. Disease mechanism: loss of function.

Submissions (2):

Ambry Genetics
Classification: Likely pathogenic for Hereditary cancer-predisposing syndrome. Last evaluated: 2024-12-19. Review status: criteria provided, single submitter. Criteria: Ambry Variant Classification Scheme 2023. Collection method: clinical testing. Allele origin: germline.
Comment: The c.8332-2A>C intronic variant results from an A to C substitution two nucleotides upstream from coding exon 18 in the BRCA2 gene. This alteration was identified in a cohort of 4215 high-risk breast cancer patients tested for the BRCA1/2 genes (Bang YJ et al. Cancer Res Treat, 2022 Jul;54:827-833). This variant is considered to be rare based on population cohorts in the Genome Aggregation Database (gnomAD). This nucleotide position is highly conserved in available vertebrate species. In silico splice site analysis predicts that this alteration will weaken the native splice acceptor site and will result in the creation or strengthening of a novel splice acceptor site; however, direct evidence is insufficient at this time (Ambry internal data). In addition to the clinical data presented in the literature, alterations that disrupt the canonical splice site are expected to cause aberrant splicing, resulting in an abnormal protein or a transcript that is subject to nonsense-mediated mRNA decay. As such, this alteration is classified as likely pathogenic.

Labcorp Genetics (formerly Invitae), Labcorp
Classification: Likely pathogenic for Hereditary breast ovarian cancer syndrome. Last evaluated: 2017-08-19. Review status: criteria provided, single submitter. Criteria: Invitae Variant Classification Sherloc (09022015). Collection method: clinical testing. Allele origin: germline.
Comment: This variant is not present in population databases (ExAC no frequency). In summary, the currently available evidence indicates that the variant is pathogenic, but additional data are needed to prove that conclusively. Therefore, this variant has been classified as Likely Pathogenic. Donor and acceptor splice site variants typically lead to a loss of protein function (PMID: 16199547), and loss-of-function variants in BRCA2 are known to be pathogenic (PMID: 20104584). This variant has not been reported in the literature in individuals with BRCA2-related disease. This sequence change affects an acceptor splice site in intron 18 of the BRCA2 gene. It is expected to disrupt RNA splicing and likely results in an absent or disrupted protein product.

Literature cited by the submitters: PubMed 34645131 (cited by Ambry Genetics); PubMed 16199547 (cited by Labcorp Genetics (formerly Invitae), Labcorp); PubMed 20104584 (cited by Labcorp Genetics (formerly Invitae), Labcorp).